The following is an entry in ClinVar:

NM_006904.7(PRKDC):c.9255G>T (p.Glu3085Asp)

Gene: PRKDC (protein kinase, DNA-activated, catalytic subunit; minus strand). Cytogenetic location: 8q11.21.
Variant type: single nucleotide variant.
Coding change: c.9255G>T on transcript NM_006904.7 (MANE Select); coding-DNA position 9255, G replaced by T.
Protein change: p.Glu3085Asp; replaces glutamic acid 3085 with aspartic acid.
Molecular consequence: missense variant.
Genome position (GRCh38, 1-based): chr8:47,820,800, C>A on the plus strand (G>T on the coding strand, the complement: PRKDC is on the minus strand). VCF-style: chr8-47820800-C-A. GRCh37 (hg19) VCF-style: chr8-48733361-C-A.
Other names: c.9255G>T, p.Glu3085Asp (NM_001081640.2); short protein forms E3085D.
Identifiers: ClinVar variation 1399884 (VCV001399884.4), dbSNP rs56135402, ClinGen allele CA4739633.

ClinVar aggregate classification (germline): Uncertain significance (1 of 4 stars; one submission).

Conditions:
Severe combined immunodeficiency due to DNA-PKcs deficiency. Also called: IMMUNODEFICIENCY 26 WITH NEUROLOGIC ABNORMALITIES; Immunodeficiency 26 with or without neurologic abnormalities. Identifiers: Orphanet 317425, MedGen C4014833, MONDO:0014423, OMIM 615966.

Allele frequency attached by ClinVar (database versions not stated): gnomAD 0.00001 and 0.00003; gnomAD exomes 0.00001 and 0.00007; TOPMed 0.00004; ExAC 0.00008; 1000 Genomes Project 30x 0.00047; 1000 Genomes Project 0.00060.
gnomAD v4.1: 26 of 1,613,090 alleles (0.0016%); highest among the groups gnomAD compares: East Asian, 0.049%; no homozygotes.

Submission:

Labcorp Genetics (formerly Invitae), Labcorp
Classification: Uncertain significance for Severe combined immunodeficiency due to DNA-PKcs deficiency. Last evaluated: 2024-10-29. Review status: criteria provided, single submitter. Criteria: Invitae Variant Classification Sherloc (09022015). Collection method: clinical testing. Allele origin: germline.
Comment: This sequence change replaces glutamic acid, which is acidic and polar, with aspartic acid, which is acidic and polar, at codon 3085 of the PRKDC protein (p.Glu3085Asp). This variant is present in population databases (rs56135402, gnomAD 0.09%). This variant has not been reported in the literature in individuals affected with PRKDC-related conditions. ClinVar contains an entry for this variant (Variation ID: 1399884). Invitae Evidence Modeling of protein sequence and biophysical properties (such as structural, functional, and spatial information, amino acid conservation, physicochemical variation, residue mobility, and thermodynamic stability) indicates that this missense variant is not expected to disrupt PRKDC protein function with a negative predictive value of 80%. In summary, the available evidence is currently insufficient to determine the role of this variant in disease. Therefore, it has been classified as a Variant of Uncertain Significance.